The following is an entry in ClinVar:

ClinVar aggregate classification (germline): Pathogenic. Review status: criteria provided, multiple submitters, no conflicts (2 of 4 stars). 2 submissions from 2 submitters: Pathogenic (2). Last evaluated 2024-05-20.

Conditions:
Duchenne muscular dystrophy (DMD). Also called: Duchenne Muscular Dystrophy (DMD); MUSCULAR DYSTROPHY, PSEUDOHYPERTROPHIC PROGRESSIVE, DUCHENNE TYPE. Identifiers: Orphanet 98896, MedGen C0013264, MONDO:0010679, OMIM 310200.

Submissions (2):

Labcorp Genetics (formerly Invitae), Labcorp
Classification: Pathogenic for Duchenne muscular dystrophy. Last evaluated: 2024-05-20. Review status: criteria provided, single submitter. Criteria: Invitae Variant Classification Sherloc (09022015). Collection method: clinical testing. Allele origin: germline.
Comment: This sequence change creates a premature translational stop signal (p.Gln1686*) in the DMD gene. It is expected to result in an absent or disrupted protein product. Loss-of-function variants in DMD are known to be pathogenic (PMID: 16770791, 25007885). This variant is not present in population databases (gnomAD no frequency). This variant has not been reported in the literature in individuals affected with DMD-related conditions. ClinVar contains an entry for this variant (Variation ID: 803865). For these reasons, this variant has been classified as Pathogenic.

Mendelics
Classification: Pathogenic for Duchenne muscular dystrophy. Last evaluated: 2019-05-28. Review status: criteria provided, single submitter. Criteria: Mendelics Assertion Criteria 2017. Collection method: clinical testing. Allele origin: unknown.

Literature cited by the submitters: PubMed 16770791 (cited by Labcorp Genetics (formerly Invitae), Labcorp); PubMed 25007885 (cited by Labcorp Genetics (formerly Invitae), Labcorp).

NM_004006.3(DMD):c.5056C>T (p.Gln1686Ter)

Gene: DMD (dystrophin; minus strand). Cytogenetic location: Xp21.1.
Variant type: single nucleotide variant.
Coding change: c.5056C>T on transcript NM_004006.3 (MANE Select); coding-DNA position 5056, C replaced by T.
Protein change: p.Gln1686Ter; replaces glutamine 1686 with a stop codon.
Molecular consequence: nonsense.
Genome position (GRCh38, 1-based): chrX:32,364,680, G>A on the plus strand (C>T on the coding strand, the complement: DMD is on the minus strand). VCF-style: chrX-32364680-G-A. GRCh37 (hg19) VCF-style: chrX-32382797-G-A.
Other names: c.5032C>T, p.Gln1678Ter (NM_000109.4); c.5044C>T, p.Gln1682Ter (NM_004009.3); c.4687C>T, p.Gln1563Ter (NM_004010.3); c.1033C>T, p.Gln345Ter (NM_004011.4); c.1024C>T, p.Gln342Ter (NM_004012.4); short protein forms Q1682*, Q342*, Q345*, Q1563*, Q1678*, Q1686*.
Identifiers: ClinVar variation 803865 (VCV000803865.4), dbSNP rs1603631744, ClinGen allele CA412671631.